The following is an entry in ClinVar:

NM_006445.4(PRPF8):c.5026A>G (p.Ile1676Val)

Gene: PRPF8 (pre-mRNA processing factor 8; minus strand). Cytogenetic location: 17p13.3.
Variant type: single nucleotide variant.
Coding change: c.5026A>G on transcript NM_006445.4 (MANE Select); coding-DNA position 5026, A replaced by G.
Protein change: p.Ile1676Val; replaces isoleucine 1676 with valine.
Molecular consequence: missense variant.
Genome position (GRCh38, 1-based): chr17:1,659,469, T>C on the plus strand (A>G on the coding strand, the complement: PRPF8 is on the minus strand). VCF-style: chr17-1659469-T-C. GRCh37 (hg19) VCF-style: chr17-1562763-T-C.
Other names: short protein forms I1676V.
Identifiers: ClinVar variation 1485248 (VCV001485248.6), dbSNP rs1366034263, ClinGen allele CA397574072.

ClinVar aggregate classification (germline): Uncertain significance (1 of 4 stars; one submission).

Allele frequency attached by ClinVar (database versions not stated): gnomAD exomes below 0.00001.
gnomAD v4.1: 1 of 1,614,114 alleles (0.000062%); highest among the groups gnomAD compares: African/African-American, 0.0013%; no homozygotes.

Submission:

Labcorp Genetics (formerly Invitae), Labcorp
Classification: Uncertain significance. Last evaluated: 2024-10-08. Review status: criteria provided, single submitter. Criteria: Invitae Variant Classification Sherloc (09022015). Collection method: clinical testing. Allele origin: germline.
Comment: This sequence change replaces isoleucine, which is neutral and non-polar, with valine, which is neutral and non-polar, at codon 1676 of the PRPF8 protein (p.Ile1676Val). This variant is not present in population databases (gnomAD no frequency). This variant has not been reported in the literature in individuals affected with PRPF8-related conditions. ClinVar contains an entry for this variant (Variation ID: 1485248). Invitae Evidence Modeling of protein sequence and biophysical properties (such as structural, functional, and spatial information, amino acid conservation, physicochemical variation, residue mobility, and thermodynamic stability) indicates that this missense variant is not expected to disrupt PRPF8 protein function with a negative predictive value of 80%. In summary, the available evidence is currently insufficient to determine the role of this variant in disease. Therefore, it has been classified as a Variant of Uncertain Significance.